The following is an entry in ClinVar:

ClinVar aggregate classification (germline): Uncertain significance (1 of 4 stars; one submission).

Conditions:
Immunodeficiency 51 (IMD51). Also called: CANDIDIASIS, FAMILIAL, 5. Identifiers: Orphanet 1334, MedGen C4310803, MONDO:0013500, OMIM 613953.

Allele frequency attached by ClinVar (database versions not stated): TOPMed below 0.00001; gnomAD 0.00001; gnomAD exomes 0.00001.
gnomAD v4.1: 13 of 1,614,052 alleles (0.00081%); highest among the groups gnomAD compares: Middle Eastern, 0.016%; no homozygotes.

Submission:

Labcorp Genetics (formerly Invitae), Labcorp
Classification: Uncertain significance for Immunodeficiency 51. Last evaluated: 2023-09-30. Review status: criteria provided, single submitter. Criteria: Invitae Variant Classification Sherloc (09022015). Collection method: clinical testing. Allele origin: germline.
Comment: In summary, the available evidence is currently insufficient to determine the role of this variant in disease. Therefore, it has been classified as a Variant of Uncertain Significance. Advanced modeling of protein sequence and biophysical properties (such as structural, functional, and spatial information, amino acid conservation, physicochemical variation, residue mobility, and thermodynamic stability) performed at Invitae indicates that this missense variant is expected to disrupt IL17RA protein function. This variant has not been reported in the literature in individuals affected with IL17RA-related conditions. This variant is present in population databases (no rsID available, gnomAD 0.007%). This sequence change replaces threonine, which is neutral and polar, with isoleucine, which is neutral and non-polar, at codon 208 of the IL17RA protein (p.Thr208Ile).

NM_014339.7(IL17RA):c.623C>T (p.Thr208Ile)

Gene: IL17RA (interleukin 17 receptor A; plus strand). Cytogenetic location: 22q11.1.
Variant type: single nucleotide variant.
Coding change: c.623C>T on transcript NM_014339.7 (MANE Select); coding-DNA position 623, C replaced by T.
Protein change: p.Thr208Ile; replaces threonine 208 with isoleucine.
Molecular consequence: missense variant.
Genome position (GRCh38, 1-based): chr22:17,102,163, C>T. VCF-style: chr22-17102163-C-T. GRCh37 (hg19) VCF-style: chr22-17583053-C-T.
Other names: c.623C>T, p.Thr208Ile (NM_001289905.2); short protein forms T208I.
Identifiers: ClinVar variation 2969412 (VCV002969412.2), dbSNP rs1260203473, ClinGen allele CA410212907.
Genomic context (GRCh38, chr22:17,102,163, plus strand): 5'-CTCCTCACTCCCAGCCTGCGTGTGTGACCTTGGCAGGCAGCCTGTGGGACCCCAACATCA[C>T]CGTGGAGACCCTGGAGGCCCACCAGCTGCGTGTGAGCTTCACCCTGTGGAACGAATCTAC-3'
Protein context (NP_055154.3, residues 198-218): SSGSLWDPNI[Thr208Ile]VETLEAHQLR